The following is an entry in ClinVar:

NM_001105206.3(LAMA4):c.5027T>G (p.Val1676Gly)

Gene: LAMA4 (laminin subunit alpha 4; minus strand). Cytogenetic location: 6q21.
Variant type: single nucleotide variant.
Coding change: c.5027T>G on transcript NM_001105206.3 (MANE Select); coding-DNA position 5027, T replaced by G.
Protein change: p.Val1676Gly; replaces valine 1676 with glycine.
Molecular consequence: missense variant.
Genome position (GRCh38, 1-based): chr6:112,115,948, A>C on the plus strand (T>G on the coding strand, the complement: LAMA4 is on the minus strand). VCF-style: chr6-112115948-A-C. GRCh37 (hg19) VCF-style: chr6-112437151-A-C.
Other names: c.5006T>G, p.Val1669Gly (NM_001105207.3, NM_002290.5); short protein forms V1669G, V1676G.
Identifiers: ClinVar variation 2421923 (VCV002421923.6), dbSNP rs1269776212, ClinGen allele CA365365287.

ClinVar aggregate classification (germline): Uncertain significance (1 of 4 stars; one submission).

Conditions:
Dilated cardiomyopathy 1JJ (CMD1JJ). Identifiers: Orphanet 154, MedGen C3808935, MONDO:0014095, OMIM 615235.

Allele frequency attached by ClinVar (database versions not stated): gnomAD exomes below 0.00001; TOPMed 0.00001; gnomAD 0.00003.
gnomAD v4.1: 5 of 1,613,258 alleles (0.00031%); highest among the groups gnomAD compares: African/African-American, 0.0067%; no homozygotes.

Submission:

Labcorp Genetics (formerly Invitae), Labcorp
Classification: Uncertain significance for Dilated cardiomyopathy 1JJ. Last evaluated: 2022-05-26. Review status: criteria provided, single submitter. Criteria: Invitae Variant Classification Sherloc (09022015). Collection method: clinical testing. Allele origin: germline.
Comment: In summary, the available evidence is currently insufficient to determine the role of this variant in disease. Therefore, it has been classified as a Variant of Uncertain Significance. Algorithms developed to predict the effect of missense changes on protein structure and function are either unavailable or do not agree on the potential impact of this missense change (SIFT: "Deleterious"; PolyPhen-2: "Probably Damaging"; Align-GVGD: "Class C0"). This variant has not been reported in the literature in individuals affected with LAMA4-related conditions. This variant is present in population databases (no rsID available, gnomAD 0.01%). This sequence change replaces valine, which is neutral and non-polar, with glycine, which is neutral and non-polar, at codon 1669 of the LAMA4 protein (p.Val1669Gly).